The following is an entry in ClinVar:

NM_000090.4(COL3A1):c.1194+6C>T

Gene: COL3A1 (collagen type III alpha 1 chain; plus strand). Cytogenetic location: 2q32.2.
Variant type: single nucleotide variant.
Coding change: c.1194+6C>T on transcript NM_000090.4 (MANE Select); 6 bases into the intron after coding-DNA position 1194, C replaced by T.
Molecular consequence: intron variant.
Genome position (GRCh38, 1-based): chr2:188,994,088, C>T. VCF-style: chr2-188994088-C-T. GRCh37 (hg19) VCF-style: chr2-189858814-C-T.
Identifiers: ClinVar variation 4758256 (VCV004758256.1).

ClinVar aggregate classification (germline): Uncertain significance (1 of 4 stars; one submission).

Conditions:
Familial thoracic aortic aneurysm and aortic dissection (TAAD). Also called: Thoracic aortic aneurysms and dissections. Identifiers: Orphanet 91387, MedGen C4707243, MONDO:0019625.

Submission:

Color Diagnostics, LLC DBA Color Health
Classification: Uncertain significance for Familial thoracic aortic aneurysm and aortic dissection. Last evaluated: 2025-10-05. Review status: criteria provided, single submitter. Criteria: ACMG Guidelines, 2015. Collection method: clinical testing. Allele origin: germline.
Comment: This variant causes a C to T nucleotide substitution at the +6 position of intron 17 of the COL3A1 gene. To our knowledge, functional studies have not been reported for this variant. This variant has not been reported in individuals affected with COL3A1-related disorders in the literature. This variant has not been identified in the general population by the Genome Aggregation Database (gnomAD). The available evidence is insufficient to determine the role of this variant in disease conclusively. Therefore, this variant is classified as a Variant of Uncertain Significance.